The following is an entry in ClinVar:

NM_001134407.3(GRIN2A):c.2552G>C (p.Gly851Ala)

Gene: GRIN2A (glutamate ionotropic receptor NMDA type subunit 2A; minus strand). Cytogenetic location: 16p13.2.
Variant type: single nucleotide variant.
Coding change: c.2552G>C on transcript NM_001134407.3 (MANE Select); coding-DNA position 2552, G replaced by C.
Protein change: p.Gly851Ala; replaces glycine 851 with alanine.
Molecular consequence: missense variant.
Genome position (GRCh38, 1-based): chr16:9,768,894, C>G on the plus strand (G>C on the coding strand, the complement: GRIN2A is on the minus strand). VCF-style: chr16-9768894-C-G. GRCh37 (hg19) VCF-style: chr16-9862751-C-G.
Other names: c.2552G>C (NM_000833.3); c.2552G>C, p.Gly851Ala (NM_000833.5, NM_001134408.2); short protein forms G851A.
Identifiers: ClinVar variation 1461062 (VCV001461062.8), dbSNP rs1447076076, ClinGen allele CA394709882.
Genomic context (GRCh38, chr16:9,768,894, plus strand): 5'-CCACCCGGTGTACTGACCCTGCTGATGGAGAAGAGCAACCCAGGCCGGTCGGAGCACACG[C>G]CCGTGAAACAGAAGCGCAGCTTCCAGTAGAAGAGGTGCTCCCAGATGAAGGTGATGAGGC-3'
Protein context (NP_001127879.1, residues 841-861): FYWKLRFCFT[Gly851Ala]VCSDRPGLLF

ClinVar aggregate classification (germline): Uncertain significance. Review status: criteria provided, multiple submitters, no conflicts (2 of 4 stars). 2 submissions from 2 submitters: Uncertain significance (2). Last evaluated 2026-02-14.

Conditions:
Landau-Kleffner syndrome (FESD). Also called: EPILEPSY, FOCAL, WITH SPEECH DISORDER AND WITH OR WITHOUT MENTAL RETARDATION; APHASIA, ACQUIRED, WITH EPILEPSY. Identifiers: Orphanet 1945, Orphanet 725, Orphanet 98818, MedGen C0282512, MONDO:0009509, OMIM 245570.

Allele frequency attached by ClinVar (database versions not stated): TOPMed below 0.00001; gnomAD 0.00001.
gnomAD v4.1: 3 of 1,614,080 alleles (0.00019%); highest among the groups gnomAD compares: Non-Finnish European, 0.00025%; no homozygotes.

Submissions (2):

GeneDx
Classification: Uncertain significance. Last evaluated: 2026-02-14. Review status: criteria provided, single submitter. Criteria: GeneDx Variant Classification Process June 2021. Collection method: clinical testing. Allele origin: germline. Affected: yes.
Comment: Not observed at significant frequency in large population cohorts (gnomAD); In silico analysis supports that this missense variant has a deleterious effect on protein structure/function; Has not been previously published as pathogenic or benign to our knowledge

Labcorp Genetics (formerly Invitae), Labcorp
Classification: Uncertain significance for Landau-Kleffner syndrome. Last evaluated: 2024-09-26. Review status: criteria provided, single submitter. Criteria: Invitae Variant Classification Sherloc (09022015). Collection method: clinical testing. Allele origin: germline.
Comment: This sequence change replaces glycine, which is neutral and non-polar, with alanine, which is neutral and non-polar, at codon 851 of the GRIN2A protein (p.Gly851Ala). This variant is not present in population databases (gnomAD no frequency). This variant has not been reported in the literature in individuals affected with GRIN2A-related conditions. This missense change has been observed in at least one individual who was not affected with GRIN2A-related conditions (internal data). ClinVar contains an entry for this variant (Variation ID: 1461062). Invitae Evidence Modeling of protein sequence and biophysical properties (such as structural, functional, and spatial information, amino acid conservation, physicochemical variation, residue mobility, and thermodynamic stability) has been performed for this missense variant. However, the output from this modeling did not meet the statistical confidence thresholds required to predict the impact of this variant on GRIN2A protein function. In summary, the available evidence is currently insufficient to determine the role of this variant in disease. Therefore, it has been classified as a Variant of Uncertain Significance.